The following is an entry in ClinVar:

ClinVar aggregate classification (germline): Uncertain significance. Review status: criteria provided, multiple submitters, no conflicts (2 of 4 stars). 2 submissions from 2 submitters: Uncertain significance (2). Last evaluated 2025-02-24.

Conditions:
Developmental and epileptic encephalopathy, 12 (DEE12). Identifiers: MedGen C3150988, MONDO:0013389, OMIM 613722.

Allele frequency attached by ClinVar (database versions not stated): gnomAD 0.00001; gnomAD exomes 0.00001; TOPMed 0.00001; ExAC 0.00002; ESP Exome Variant Server 0.00015.
gnomAD v4.1: 8 of 1,593,880 alleles (0.0005%); highest among the groups gnomAD compares: Non-Finnish European, 0.00068%; no homozygotes.

Submissions (2):

Labcorp Genetics (formerly Invitae), Labcorp
Classification: Uncertain significance for Developmental and epileptic encephalopathy, 12. Last evaluated: 2025-02-24. Review status: criteria provided, single submitter. Criteria: Invitae Variant Classification Sherloc (09022015). Collection method: clinical testing. Allele origin: germline.
Comment: This sequence change replaces valine, which is neutral and non-polar, with glycine, which is neutral and non-polar, at codon 406 of the PNKP protein (p.Val406Gly). This variant is present in population databases (rs141938129, gnomAD 0.001%). This variant has not been reported in the literature in individuals affected with PNKP-related conditions. ClinVar contains an entry for this variant (Variation ID: 852555). Invitae Evidence Modeling of protein sequence and biophysical properties (such as structural, functional, and spatial information, amino acid conservation, physicochemical variation, residue mobility, and thermodynamic stability) indicates that this missense variant is expected to disrupt PNKP protein function with a positive predictive value of 80%. In summary, the available evidence is currently insufficient to determine the role of this variant in disease. Therefore, it has been classified as a Variant of Uncertain Significance.

GeneDx
Classification: Uncertain significance. Last evaluated: 2024-01-11. Review status: criteria provided, single submitter. Criteria: GeneDx Variant Classification Process June 2021. Collection method: clinical testing. Allele origin: germline. Affected: yes.
Comment: Not observed at significant frequency in large population cohorts (gnomAD); In silico analysis supports that this missense variant has a deleterious effect on protein structure/function; Has not been previously published as pathogenic or benign to our knowledge; This variant is associated with the following publications: (PMID: 22508754)

NM_007254.4(PNKP):c.1217T>G (p.Val406Gly)

Gene: PNKP (polynucleotide kinase 3'-phosphatase; minus strand). Cytogenetic location: 19q13.33.
Variant type: single nucleotide variant.
Coding change: c.1217T>G on transcript NM_007254.4 (MANE Select); coding-DNA position 1217, T replaced by G.
Protein change: p.Val406Gly; replaces valine 406 with glycine.
Molecular consequence: missense variant.
Genome position (GRCh38, 1-based): chr19:49,861,853, A>C on the plus strand (T>G on the coding strand, the complement: PNKP is on the minus strand). VCF-style: chr19-49861853-A-C. GRCh37 (hg19) VCF-style: chr19-50365110-A-C.
Other names: c.1217T>G (NM_007254.2); short protein forms V406G.
Identifiers: ClinVar variation 852555 (VCV000852555.11), dbSNP rs141938129, ClinGen allele CA9586512.
Genomic context (GRCh38, chr19:49,861,853, plus strand): 5'-GGGTTTGTGTTGTCGATGGCGACCCGTTTCCCTTGCTTCAGGGCTGTCTCACACGTGGTC[A>C]CACAGCGCTGCCAGGAGCCTAGCGTGTCCTGGGGACACGAGAGGTCACAAACAGATCGGC-3'
Protein context (NP_009185.2, residues 396-416): RDTLGSWQRC[Val406Gly]TTCETALKQG